The following is an entry in ClinVar:

NM_000170.3(GLDC):c.1789G>T (p.Glu597Ter)

Gene: GLDC (glycine decarboxylase; minus strand). Cytogenetic location: 9p24.1.
Variant type: single nucleotide variant.
Coding change: c.1789G>T on transcript NM_000170.3 (MANE Select); coding-DNA position 1789, G replaced by T.
Protein change: p.Glu597Ter; replaces glutamic acid 597 with a stop codon.
Molecular consequence: nonsense.
Genome position (GRCh38, 1-based): chr9:6,587,202, C>A on the plus strand (G>T on the coding strand, the complement: GLDC is on the minus strand). VCF-style: chr9-6587202-C-A. GRCh37 (hg19) VCF-style: chr9-6587202-C-A.
Other names: short protein forms E597*.
Identifiers: ClinVar variation 1075468 (VCV001075468.7), dbSNP rs2129831711, ClinGen allele CA372891505.
Genomic context (GRCh38, chr9:6,587,202, plus strand): 5'-TGTTTGGCTGGAAACAGACCTGGTCATAACCTGTGAGTTCACACAAATCCTTCTCAAGCT[C>A]TCGGAAAAGCTGCTGATATCCTTGAGCTTGATCCAGAGGCACAAAGGGGTGGATGTTTGC-3'

ClinVar aggregate classification (germline): Pathogenic (1 of 4 stars; one submission).

Conditions:
Glycine encephalopathy. Also called: Nonketotic hyperglycinemia; Non-ketotic hyperglycinemia. Identifiers: Orphanet 407, MedGen C0751748, MONDO:0011612, HP:0008288.

Submission:

Labcorp Genetics (formerly Invitae), Labcorp
Classification: Pathogenic for Glycine encephalopathy. Last evaluated: 2020-06-15. Review status: criteria provided, single submitter. Criteria: Invitae Variant Classification Sherloc (09022015). Collection method: clinical testing. Allele origin: germline.
Comment: For these reasons, this variant has been classified as Pathogenic. Loss-of-function variants in GLDC are known to be pathogenic (PMID: 16601880). This variant has not been reported in the literature in individuals with GLDC-related conditions. This variant is not present in population databases (ExAC no frequency). This sequence change creates a premature translational stop signal (p.Glu597*) in the GLDC gene. It is expected to result in an absent or disrupted protein product.

Literature cited by the submitters: PubMed 16601880.